The following is an entry in ClinVar:

ClinVar aggregate classification (germline): Uncertain significance (1 of 4 stars; one submission).

Conditions:
Hereditary cancer-predisposing syndrome. Also called: Neoplastic Syndromes, Hereditary; Tumor predisposition; Hereditary neoplastic syndrome; Hereditary Cancer Syndrome. Identifiers: Orphanet 140162, MedGen C0027672, MeSH D009386, MONDO:0015356.

Submission:

Ambry Genetics
Classification: Uncertain significance for Hereditary cancer-predisposing syndrome. Last evaluated: 2025-03-18. Review status: criteria provided, single submitter. Criteria: Ambry Variant Classification Scheme 2023. Collection method: clinical testing. Allele origin: germline.
Comment: The p.L985I variant (also known as c.2953C>A), located in coding exon 18 of the ALK gene, results from a C to A substitution at nucleotide position 2953. The leucine at codon 985 is replaced by isoleucine, an amino acid with highly similar properties. This amino acid position is conserved. In addition, this alteration is predicted to be tolerated by in silico analysis. Based on the available evidence, the clinical significance of this variant remains unclear.

NM_004304.5(ALK):c.2953C>A (p.Leu985Ile)

Gene: ALK (ALK receptor tyrosine kinase; minus strand). Cytogenetic location: 2p23.2.
Variant type: single nucleotide variant.
Coding change: c.2953C>A on transcript NM_004304.5 (MANE Select); coding-DNA position 2953, C replaced by A.
Protein change: p.Leu985Ile; replaces leucine 985 with isoleucine.
Molecular consequence: missense variant.
Genome position (GRCh38, 1-based): chr2:29,227,036, G>T on the plus strand (C>A on the coding strand, the complement: ALK is on the minus strand). VCF-style: chr2-29227036-G-T. GRCh37 (hg19) VCF-style: chr2-29449902-G-T.
Other names: short protein forms L985I.
Identifiers: ClinVar variation 4040245 (VCV004040245.1).
Genomic context (GRCh38, chr2:29,227,036, plus strand): 5'-TGACCTTGTGGCTTTCAGGGTCCATGTGACATTCGTCTACCTCACAGTGACTGCAGTTTA[G>T]ATAATGCTTAATATTCACTTCCCCGTGGCCTTCCATCACTAGTGACAAGGAGGGAGGGTC-3'
Protein context (NP_004295.2, residues 975-995): GHGEVNIKHY[Leu985Ile]NCSHCEVDEC